The following is an entry in ClinVar:

NM_000137.4(FAH):c.839del (p.Asp280fs)

Gene: FAH (fumarylacetoacetate hydrolase; plus strand). Cytogenetic location: 15q25.1.
Variant type: Deletion.
Coding change: c.839del on transcript NM_000137.4 (MANE Select); coding-DNA position 839, one base deleted (A; older notation c.839delA).
Protein change: p.Asp280fs; shifts the reading frame from aspartic acid 280.
Molecular consequence: frameshift variant.
Genome position (GRCh38, 1-based): chr15:80,175,017, A deleted. VCF-style (leftmost placement, unchanged base first): chr15-80175016-GA-G. GRCh37 (hg19) VCF-style: chr15-80467358-GA-G.
Other names: c.839del, p.Asp280fs (NM_001374377.1, NM_001374380.1); short protein forms D280fs.
Identifiers: ClinVar variation 2734910 (VCV002734910.3), dbSNP rs2505856822, ClinGen allele CA2629879194.

ClinVar aggregate classification (germline): Pathogenic (1 of 4 stars; one submission).

Conditions:
Tyrosinemia type I (TYRSN1). Also called: HEPATORENAL TYROSINEMIA; Tyrosinemia type 1; Fumarylacetoacetase deficiency; Deficiency of fumarylacetoacetase; FAH DEFICIENCY. Identifiers: Orphanet 882, MedGen C0268490, MONDO:0010161, OMIM 276700. Disease mechanism: loss of function.

Allele frequency attached by ClinVar (database versions not stated): gnomAD exomes below 0.00001.

Submission:

Labcorp Genetics (formerly Invitae), Labcorp
Classification: Pathogenic for Tyrosinemia type I. Last evaluated: 2023-05-27. Review status: criteria provided, single submitter. Criteria: Invitae Variant Classification Sherloc (09022015). Collection method: clinical testing. Allele origin: germline.
Comment: For these reasons, this variant has been classified as Pathogenic. This variant has not been reported in the literature in individuals affected with FAH-related conditions. This variant is not present in population databases (gnomAD no frequency). This sequence change creates a premature translational stop signal (p.Asp280Alafs*24) in the FAH gene. It is expected to result in an absent or disrupted protein product. Loss-of-function variants in FAH are known to be pathogenic (PMID: 9101289, 9633815).

Literature cited by the submitters: PubMed 9101289; PubMed 9633815.